The following is an entry in ClinVar:

ClinVar aggregate classification (germline): Uncertain significance (1 of 4 stars; one submission).

gnomAD v4.1: 1 of 1,608,232 alleles (0.000062%); highest among the groups gnomAD compares: South Asian, 0.0011%; no homozygotes.

Submission:

GeneDx
Classification: Uncertain significance. Last evaluated: 2023-12-19. Review status: criteria provided, single submitter. Criteria: GeneDx Variant Classification Process June 2021. Collection method: clinical testing. Allele origin: germline. Affected: yes.
Comment: Has not been previously published as pathogenic or benign to our knowledge; Not observed at significant frequency in large population cohorts (gnomAD); In silico analysis supports that this missense variant does not alter protein structure/function

NM_017617.5(NOTCH1):c.4200G>T (p.Gln1400His)

Gene: NOTCH1 (notch receptor 1; minus strand). Cytogenetic location: 9q34.3.
Variant type: single nucleotide variant.
Coding change: c.4200G>T on transcript NM_017617.5 (MANE Select); coding-DNA position 4200, G replaced by T.
Protein change: p.Gln1400His; replaces glutamine 1400 with histidine.
Molecular consequence: missense variant.
Genome position (GRCh38, 1-based): chr9:136,505,696, C>A on the plus strand (G>T on the coding strand, the complement: NOTCH1 is on the minus strand). VCF-style: chr9-136505696-C-A. GRCh37 (hg19) VCF-style: chr9-139400148-C-A.
Other names: short protein forms Q1400H.
Identifiers: ClinVar variation 3370107 (VCV003370107.1).